The following is an entry in ClinVar:

NM_130811.4(SNAP25):c.575T>C (p.Ile192Thr)

Gene: SNAP25 (synaptosome associated protein 25; plus strand). Cytogenetic location: 20p12.2.
Variant type: single nucleotide variant.
Coding change: c.575T>C on transcript NM_130811.4 (MANE Select); coding-DNA position 575, T replaced by C.
Protein change: p.Ile192Thr; replaces isoleucine 192 with threonine.
Molecular consequence: missense variant.
Genome position (GRCh38, 1-based): chr20:10,306,151, T>C. VCF-style: chr20-10306151-T-C. GRCh37 (hg19) VCF-style: chr20-10286799-T-C.
Other names: c.575T>C, p.Ile192Thr (NM_001322902.2, NM_001322903.2, NM_001322904.2 and 7 more transcripts); short protein forms I192T.
Identifiers: ClinVar variation 1285525 (VCV001285525.3), dbSNP rs2123205099, ClinGen allele CA408266852.
Genomic context (GRCh38, chr20:10,306,151, plus strand): 5'-GGGTAACCTGAGTTCTGTTTCTTTTCCCCCTTTTCTAGGCTGATTCCAACAAAACCAGAA[T>C]TGATGAGGCCAACCAACGTGCAACAAAGATGCTGGGAAGTGGTTAAGTGTGCCCACCCGT-3'
Protein context (NP_570824.1, residues 182-202): MEKADSNKTR[Ile192Thr]DEANQRATKM

ClinVar aggregate classification (germline): Conflicting classifications of pathogenicity. Review status: criteria provided, conflicting classifications (1 of 4 stars). 2 submissions from 2 submitters: Likely pathogenic (1); Uncertain significance (1). Last evaluated 2020-10-07.

Conditions:
Developmental and epileptic encephalopathy. Identifiers: MedGen C5779964, MONDO:0100620.

Submissions (2):

Blueprint Genetics
Classification: Uncertain significance. Last evaluated: 2020-10-07. Review status: criteria provided, single submitter. Criteria: ACMG Guidelines, 2015. Collection method: clinical testing. Allele origin: germline.

Institute of Human Genetics, University of Leipzig Medical Center
Classification: Likely pathogenic for Early-infantile DEE. Last evaluated: 2020-07-15. Review status: criteria provided, single submitter. Criteria: ACMG Guidelines, 2015. Collection method: clinical testing. Allele origin: de novo. Affected: yes.
Comment: This variant was identified as de novo (maternity and paternity confirmed).

Literature cited by the submitters: PubMed 33299146 (cited by Institute of Human Genetics, University of Leipzig Medical Center).